The following is an entry in ClinVar:

ClinVar aggregate classification (germline): Uncertain significance (1 of 4 stars; one submission).

Conditions:
Hereditary cancer-predisposing syndrome. Also called: Tumor predisposition; Hereditary neoplastic syndrome; Neoplastic Syndromes, Hereditary; Hereditary Cancer Syndrome. Identifiers: Orphanet 140162, MedGen C0027672, MeSH D009386, MONDO:0015356.

Submission:

Ambry Genetics
Classification: Uncertain significance for Hereditary cancer-predisposing syndrome. Last evaluated: 2026-08-04. Review status: criteria provided, single submitter. Criteria: Ambry Variant Classification Scheme 2023. Collection method: clinical testing. Allele origin: germline.
Comment: The c.4089delT variant, located in coding exon 20 of the MET gene, results from a deletion of one nucleotide at nucleotide position 4089, causing a translational frameshift with a predicted alternate stop codon (p.I1363Mfs*8). This variant occurs at the 3' terminus of the gene and is not expected to trigger nonsense-mediated mRNA decay. Based on the available evidence, the clinical significance of this variant remains unclear.

NM_000245.4(MET):c.4035del (p.Ile1345fs)

Gene: MET (MET proto-oncogene, receptor tyrosine kinase; plus strand). Cytogenetic location: 7q31.2.
Variant type: Deletion.
Coding change: c.4035del on transcript NM_000245.4 (MANE Select); coding-DNA position 4035, one base deleted (T; older notation c.4035delT).
Protein change: p.Ile1345fs; shifts the reading frame from isoleucine 1345.
Molecular consequence: frameshift variant.
Genome position (GRCh38, 1-based): chr7:116,795,986, T deleted; the last of 2 consecutive T bases (chr7:116,795,985-116,795,986); deleting either gives the same sequence. VCF-style (leftmost placement, unchanged base first): chr7-116795984-AT-A. GRCh37 (hg19) VCF-style: chr7-116436038-AT-A.
Other names: c.4089del, p.Ile1363fs (NM_001127500.3); c.2745del, p.Ile915fs (NM_001324402.2); short protein forms I1363fs, I915fs, I1345fs.
Identifiers: ClinVar variation 824580 (VCV000824580.5), dbSNP rs1584978394, ClinGen allele CA915945458.